The following is an entry in ClinVar:

NM_002185.5(IL7R):c.616_617delinsTA (p.Arg206Ter)

Gene: IL7R (interleukin 7 receptor; plus strand). Cytogenetic location: 5p13.2.
Variant type: Indel.
Coding change: c.616_617delinsTA on transcript NM_002185.5 (MANE Select); coding-DNA positions 616 to 617, CG replaced by TA.
Protein change: p.Arg206Ter; replaces arginine 206 with a stop codon.
Molecular consequence: nonsense.
Genome position (GRCh38, 1-based): chr5:35,873,558-35,873,559, CG replaced by TA. VCF-style: chr5-35873558-CG-TA. GRCh37 (hg19) VCF-style: chr5-35873660-CG-TA.
Other names: c.616_617delCGinsTA (LRG_74t1); short protein forms R206*.
Identifiers: ClinVar variation 36394 (VCV000036394.3), dbSNP rs193922643, ClinGen allele CA214049.

ClinVar aggregate classification (germline): Likely pathogenic (1 of 4 stars; one submission).

Conditions:
Severe combined immunodeficiency disease. Also called: Severe combined immunodeficiency; Severe Combined Immune Deficiency. Identifiers: Orphanet 183660, MedGen C0085110, MeSH D016511, MONDO:0015974, HP:0004430. Inheritance: X-Linked or Autosomal recessive.

Submission:

Women's Health and Genetics/Laboratory Corporation of America, LabCorp
Classification: Likely pathogenic for SCID. Last evaluated: 2011-08-18. Review status: criteria provided, single submitter. Criteria: LabCorp Variant Classification Summary - May 2015. Collection method: curation. Allele origin: germline. Inheritance: autosomal unknown. Affected: yes.
ClinVar note: Converted during submission from likely pathogenic to Likely pathogenic.